The following is an entry in ClinVar:

NM_005677.4(COLQ):c.871T>G (p.Cys291Gly)

Gene: COLQ (collagen like tail subunit of asymmetric acetylcholinesterase; minus strand). Cytogenetic location: 3p25.1.
Variant type: single nucleotide variant.
Coding change: c.871T>G on transcript NM_005677.4 (MANE Select); coding-DNA position 871, T replaced by G.
Protein change: p.Cys291Gly; replaces cysteine 291 with glycine.
Molecular consequence: missense variant.
Genome position (GRCh38, 1-based): chr3:15,458,269, A>C on the plus strand (T>G on the coding strand, the complement: COLQ is on the minus strand). VCF-style: chr3-15458269-A-C. GRCh37 (hg19) VCF-style: chr3-15499776-A-C.
Other names: c.841T>G, p.Cys281Gly (NM_080538.2); c.769T>G, p.Cys257Gly (NM_080539.4); short protein forms C257G, C281G, C291G.
Identifiers: ClinVar variation 2083253 (VCV002083253.4), dbSNP rs374490483, ClinGen allele CA2275936.
Genomic context (GRCh38, chr3:15,458,269, plus strand): 5'-GCCCATACACAGATTCCCCGTAGGAAGGGTTATTCACATTCATAGTGGGTCCACAAAGAC[A>C]TCTTCCTGGAGGCCCGGGAAATCCTCTTTCCCCTTTGGGTCCCATTATAAGTTGTCCTAG-3'
Protein context (NP_005668.2, residues 281-301): ERGFPGPPGR[Cys291Gly]LCGPTMNVNN

ClinVar aggregate classification (germline): Uncertain significance (1 of 4 stars; one submission).

Conditions:
Congenital myasthenic syndrome 5. Identifiers: Orphanet 590, MedGen C1864233, MONDO:0011281, OMIM 603034.

Allele frequency attached by ClinVar (database versions not stated): gnomAD 0.00001; ExAC 0.00002; TOPMed 0.00002; ESP Exome Variant Server 0.00008.
gnomAD v4.1: 6 of 1,614,036 alleles (0.00037%); highest among the groups gnomAD compares: African/African-American, 0.0053%; no homozygotes.

Submission:

Labcorp Genetics (formerly Invitae), Labcorp
Classification: Uncertain significance for Congenital myasthenic syndrome 5. Last evaluated: 2023-08-05. Review status: criteria provided, single submitter. Criteria: Invitae Variant Classification Sherloc (09022015). Collection method: clinical testing. Allele origin: germline.
Comment: This sequence change replaces cysteine, which is neutral and slightly polar, with glycine, which is neutral and non-polar, at codon 291 of the COLQ protein (p.Cys291Gly). This variant is present in population databases (rs374490483, gnomAD 0.01%). This variant has not been reported in the literature in individuals affected with COLQ-related conditions. ClinVar contains an entry for this variant (Variation ID: 2083253). Advanced modeling of protein sequence and biophysical properties (such as structural, functional, and spatial information, amino acid conservation, physicochemical variation, residue mobility, and thermodynamic stability) has been performed at Invitae for this missense variant, however the output from this modeling did not meet the statistical confidence thresholds required to predict the impact of this variant on COLQ protein function. In summary, the available evidence is currently insufficient to determine the role of this variant in disease. Therefore, it has been classified as a Variant of Uncertain Significance.